The following is an entry in ClinVar:

ClinVar aggregate classification (germline): Benign/Likely benign. Review status: criteria provided, multiple submitters, no conflicts (2 of 4 stars). 2 submissions from 2 submitters: Benign (1); Likely benign (1). Last evaluated 2025-01-02.

Conditions:
Lynch syndrome 5 (LYNCH5). Also called: Hereditary non-polyposis colorectal cancer, type 5; Colorectal cancer, hereditary nonpolyposis, type 5. Identifiers: Orphanet 144, MedGen C1833477, MONDO:0013710, OMIM 614350. Disease mechanism: loss of function.
Hereditary nonpolyposis colorectal neoplasms. Identifiers: MedGen C0009405, MeSH D003123.

Submissions (2):

Myriad Genetics, Inc.
Classification: Benign for Lynch syndrome 5. Last evaluated: 2025-01-02. Review status: criteria provided, single submitter. Criteria: Myriad Autosomal Dominant, Autosomal Recessive and X-Linked Classification Criteria (2023). Collection method: clinical testing. Allele origin: unknown.
Comment: This variant is considered benign. This variant is a silent/synonymous amino acid change and it is not expected to impact splicing.

Labcorp Genetics (formerly Invitae), Labcorp
Classification: Likely benign for Hereditary nonpolyposis colorectal neoplasms. Last evaluated: 2023-11-18. Review status: criteria provided, single submitter. Criteria: Invitae Variant Classification Sherloc (09022015). Collection method: clinical testing. Allele origin: germline.

NM_000179.3(MSH6):c.2913G>C (p.Gly971=)

Gene: MSH6 (mutS homolog 6; plus strand). Cytogenetic location: 2p16.3.
Variant type: single nucleotide variant.
Coding change: c.2913G>C on transcript NM_000179.3 (MANE Select); coding-DNA position 2913, G replaced by C.
Protein change: p.Gly971=; no amino-acid change (glycine 971 retained).
Molecular consequence: synonymous variant. On other transcripts: non-coding transcript variant (5), intron variant (2).
Genome position (GRCh38, 1-based): chr2:47,800,896, G>C. VCF-style: chr2-47800896-G-C. GRCh37 (hg19) VCF-style: chr2-48028035-G-C.
Other names: c.2523G>C, p.Gly841= (NM_001281492.2); c.2007G>C, p.Gly669= (NM_001281493.2, NM_001281494.2, NM_001406811.1 and 6 more transcripts); c.3009G>C, p.Gly1003= (NM_001406795.1, NM_001406802.1); c.2913G>C, p.Gly971= (NM_001406796.1, NM_001406798.1, NM_001406800.1 and 2 more transcripts); c.2616G>C, p.Gly872= (NM_001406797.1, NM_001406801.1, NM_001406805.1 and 10 more transcripts); c.2388G>C, p.Gly796= (NM_001406799.1, NM_001406806.1, NM_001406807.1); c.2835G>C, p.Gly945= (NM_001406804.1); c.2919G>C, p.Gly973= (NM_001406813.1); and 4 more.
Identifiers: ClinVar variation 2697040 (VCV002697040.4), dbSNP rs1572729232, ClinGen allele CA426122032.